The following is an entry in ClinVar:

NM_000642.3(AGL):c.4265T>C (p.Met1422Thr)

Gene: AGL (amylo-alpha-1,6-glucosidase and 4-alpha-glucanotransferase; plus strand). Cytogenetic location: 1p21.2.
Variant type: single nucleotide variant.
Coding change: c.4265T>C on transcript NM_000642.3 (MANE Select); coding-DNA position 4265, T replaced by C.
Protein change: p.Met1422Thr; replaces methionine 1422 with threonine.
Molecular consequence: missense variant.
Genome position (GRCh38, 1-based): chr1:99,916,415, T>C. VCF-style: chr1-99916415-T-C. GRCh37 (hg19) VCF-style: chr1-100381971-T-C.
Other names: c.4265T>C, p.Met1422Thr (NM_000028.3, NM_000643.3, NM_000644.3 and 1 more transcripts); c.4217T>C, p.Met1406Thr (NM_000646.3); c.4244T>C, p.Met1415Thr (NM_001425326.1); c.4064T>C, p.Met1355Thr (NM_001425327.1); c.4061T>C, p.Met1354Thr (NM_001425328.1); c.3926T>C, p.Met1309Thr (NM_001425329.1); c.3887T>C, p.Met1296Thr (NM_001425332.1); short protein forms M1422T, M1406T, M1296T, M1309T, M1354T, M1355T, M1415T.
Identifiers: ClinVar variation 2139168 (VCV002139168.1), dbSNP rs2523860988, ClinGen allele CA341342184.

ClinVar aggregate classification (germline): Uncertain significance (1 of 4 stars; one submission).

Conditions:
Glycogen storage disease type III (GSD3). Also called: Cori disease; FORBES DISEASE. Identifiers: Orphanet 366, MedGen C0017922, MONDO:0009291, OMIM 232400.

Allele frequency attached by ClinVar (database versions not stated): gnomAD exomes below 0.00001.

Submission:

Labcorp Genetics (formerly Invitae), Labcorp
Classification: Uncertain significance for Glycogen storage disease type III. Last evaluated: 2022-04-19. Review status: criteria provided, single submitter. Criteria: Invitae Variant Classification Sherloc (09022015). Collection method: clinical testing. Allele origin: germline.
Comment: This sequence change replaces methionine, which is neutral and non-polar, with threonine, which is neutral and polar, at codon 1422 of the AGL protein (p.Met1422Thr). This variant is not present in population databases (gnomAD no frequency). This variant has not been reported in the literature in individuals affected with AGL-related conditions. Algorithms developed to predict the effect of missense changes on protein structure and function are either unavailable or do not agree on the potential impact of this missense change (SIFT: "Tolerated"; PolyPhen-2: "Possibly Damaging"; Align-GVGD: "Class C15"). In summary, the available evidence is currently insufficient to determine the role of this variant in disease. Therefore, it has been classified as a Variant of Uncertain Significance.